The following is an entry in ClinVar:

ClinVar aggregate classification (germline): Uncertain significance. Review status: criteria provided, multiple submitters, no conflicts (2 of 4 stars). 2 submissions from 2 submitters: Uncertain significance (2). Last evaluated 2024-12-02.

Conditions:
Inborn genetic diseases. Identifiers: MedGen C0950123, MeSH D030342.

Allele frequency attached by ClinVar (database versions not stated): ExAC 0.00011.
gnomAD v4.1: 29 of 1,611,938 alleles (0.0018%); highest among the groups gnomAD compares: Admixed American, 0.047%; no homozygotes.

Submissions (2):

Labcorp Genetics (formerly Invitae), Labcorp
Classification: Uncertain significance. Last evaluated: 2024-12-02. Review status: criteria provided, single submitter. Criteria: Invitae Variant Classification Sherloc (09022015). Collection method: clinical testing. Allele origin: germline.
Comment: This sequence change replaces glycine, which is neutral and non-polar, with valine, which is neutral and non-polar, at codon 29 of the NDUFS7 protein (p.Gly29Val). This variant is present in population databases (rs777495370, gnomAD 0.08%). This variant has not been reported in the literature in individuals affected with NDUFS7-related conditions. ClinVar contains an entry for this variant (Variation ID: 2191123). An algorithm developed to predict the effect of missense changes on protein structure and function (PolyPhen-2) suggests that this variant¬†is likely to be tolerated. In summary, the available evidence is currently insufficient to determine the role of this variant in disease. Therefore, it has been classified as a Variant of Uncertain Significance.

Ambry Genetics
Classification: Uncertain significance for Inborn genetic diseases. Last evaluated: 2024-03-18. Review status: criteria provided, single submitter. Criteria: Ambry Variant Classification Scheme 2023. Collection method: clinical testing. Allele origin: germline.

NM_024407.5(NDUFS7):c.86G>T (p.Gly29Val)

Gene: NDUFS7 (NADH:ubiquinone oxidoreductase core subunit S7; plus strand). Cytogenetic location: 19p13.3.
Variant type: single nucleotide variant.
Coding change: c.86G>T on transcript NM_024407.5 (MANE Select); coding-DNA position 86, G replaced by T.
Protein change: p.Gly29Val; replaces glycine 29 with valine.
Molecular consequence: missense variant.
Genome position (GRCh38, 1-based): chr19:1,388,557, G>T. VCF-style: chr19-1388557-G-T. GRCh37 (hg19) VCF-style: chr19-1388556-G-T.
Other names: c.86G>T (NM_024407.4); c.86G>T, p.Gly29Val (NM_001363602.2); short protein forms G29V.
Identifiers: ClinVar variation 2191123 (VCV002191123.3), dbSNP rs777495370, ClinGen allele CA9043064.